The following is an entry in ClinVar:

NM_203446.3(SYNJ1):c.*576_*584del

Gene: SYNJ1 (synaptojanin 1; minus strand). Cytogenetic location: 21q22.11.
Variant type: Deletion.
Coding change: c.*576_*584del on transcript NM_203446.3 (MANE Select); 576 bases downstream of the stop codon through 584 bases downstream of the stop codon, 9 bases deleted (AAAGTCAGC; older notation c.*576_*584delAAAGTCAGC).
Molecular consequence: 3 prime UTR variant. On other transcripts: inframe deletion (1), inframe indel (1).
Genome position (GRCh38, 1-based): chr21:32,631,221-32,631,229, GCTGACTTT deleted on the plus strand (AAAGTCAGC on the coding strand, the reverse complement: SYNJ1 is on the minus strand); deleting any 9 consecutive bases within chr21:32,631,221-32,631,230 gives the same sequence; the c. name uses the placement nearest the transcript's 3' end. VCF-style (leftmost placement, unchanged base first): chr21-32631220-AGCTGACTTT-A. GRCh37 (hg19) VCF-style: chr21-34003530-AGCTGACTTT-A.
Other names: c.*575_*583delCAAAGTCAG (NM_001160302.2); c.4347_4355del, p.Lys1450_Ala1452del (NM_001160306.2); c.4604_4612delCAAAGTCAG, p.Lys1536_Ala1538del (NM_003895.4).
Identifiers: ClinVar variation 836370 (VCV000836370.8), dbSNP rs769088554, ClinGen allele CA10003084.

ClinVar aggregate classification (germline): Uncertain significance (1 of 4 stars; one submission).

Conditions:
Developmental and epileptic encephalopathy, 53. Also called: Epileptic encephalopathy, early infantile, 53. Identifiers: MedGen C4479313, MONDO:0033362, OMIM 617389.
Early-onset Parkinson disease 20. Also called: PARKINSON DISEASE 20, AUTOSOMAL RECESSIVE EARLY-ONSET. Identifiers: Orphanet 391411, MedGen C3809824, MONDO:0014233, OMIM 615530.

Submission:

Labcorp Genetics (formerly Invitae), Labcorp
Classification: Uncertain significance for Developmental and epileptic encephalopathy, 53; Early-onset Parkinson disease 20. Last evaluated: 2023-03-23. Review status: criteria provided, single submitter. Criteria: Invitae Variant Classification Sherloc (09022015). Collection method: clinical testing. Allele origin: germline.
Comment: This variant, c.4605_4613del, results in the deletion of 3 amino acid(s) of the SYNJ1 protein (p.Lys1536_Ala1538del), but otherwise preserves the integrity of the reading frame. This variant is present in population databases (rs769088554, gnomAD 0.07%). This variant has not been reported in the literature in individuals affected with SYNJ1-related conditions. ClinVar contains an entry for this variant (Variation ID: 836370). Experimental studies and prediction algorithms are not available or were not evaluated, and the functional significance of this variant is currently unknown. In summary, the available evidence is currently insufficient to determine the role of this variant in disease. Therefore, it has been classified as a Variant of Uncertain Significance.